The following is an entry in ClinVar:

ClinVar aggregate classification (germline): Uncertain significance (1 of 4 stars; one submission).

gnomAD v4.1: 1 of 1,613,936 alleles (0.000062%); highest among the groups gnomAD compares: Non-Finnish European, 0.000085%; no homozygotes.

Submission:

Labcorp Genetics (formerly Invitae), Labcorp
Classification: Uncertain significance. Last evaluated: 2025-04-16. Review status: criteria provided, single submitter. Criteria: Invitae Variant Classification Sherloc (09022015). Collection method: clinical testing. Allele origin: germline.
Comment: This sequence change replaces aspartic acid, which is acidic and polar, with glutamic acid, which is acidic and polar, at codon 142 of the P4HB protein (p.Asp142Glu). This variant is not present in population databases (gnomAD no frequency). This variant has not been reported in the literature in individuals affected with P4HB-related conditions. ClinVar contains an entry for this variant (Variation ID: 2016746). Invitae Evidence Modeling of protein sequence and biophysical properties (such as structural, functional, and spatial information, amino acid conservation, physicochemical variation, residue mobility, and thermodynamic stability) indicates that this missense variant is not expected to disrupt P4HB protein function with a negative predictive value of 80%. In summary, the available evidence is currently insufficient to determine the role of this variant in disease. Therefore, it has been classified as a Variant of Uncertain Significance.

NM_000918.4(P4HB):c.426C>G (p.Asp142Glu)

Gene: P4HB (prolyl 4-hydroxylase subunit beta; minus strand). Cytogenetic location: 17q25.3.
Variant type: single nucleotide variant.
Coding change: c.426C>G on transcript NM_000918.4 (MANE Select); coding-DNA position 426, C replaced by G.
Protein change: p.Asp142Glu; replaces aspartic acid 142 with glutamic acid.
Molecular consequence: missense variant.
Genome position (GRCh38, 1-based): chr17:81,855,513, G>C on the plus strand (C>G on the coding strand, the complement: P4HB is on the minus strand). VCF-style: chr17-81855513-G-C. GRCh37 (hg19) VCF-style: chr17-79813389-G-C.
Other names: short protein forms D142E.
Identifiers: ClinVar variation 2016746 (VCV002016746.4), dbSNP rs776133642, ClinGen allele CA401515963.